The following is an entry in ClinVar:

ClinVar aggregate classification (germline): Benign/Likely benign. Review status: criteria provided, multiple submitters, no conflicts (2 of 4 stars). 5 submissions from 4 submitters: Benign (3); Likely benign (2). Last evaluated 2025-12-22.

Conditions:
Amyotrophic lateral sclerosis type 1 (ALS1). Also called: AMYOTROPHIC LATERAL SCLEROSIS 1, FAMILIAL. Identifiers: Orphanet 803, MedGen C1862939, MONDO:0007103, OMIM 105400.
Perry syndrome. Also called: PARKINSONISM WITH ALVEOLAR HYPOVENTILATION AND MENTAL DEPRESSION. Identifiers: Orphanet 178509, MedGen C1868594, MONDO:0008201, OMIM 168605.
Neuronopathy, distal hereditary motor, type 7B. Also called: HMN VIIB; LOWER MOTOR NEURON DISEASE, DYNACTIN TYPE; NEUROPATHY, DISTAL HEREDITARY MOTOR, HARDING TYPE VIIB; NEUROPATHY, DISTAL HEREDITARY MOTOR, WITH VOCAL CORD PARALYSIS, HARDING TYPE VIIB; NEURONOPATHY, DISTAL HEREDITARY MOTOR, AUTOSOMAL DOMINANT 14; NEURONOPATHY, DISTAL HEREDITARY MOTOR, HARDING TYPE VIIB. Identifiers: Orphanet 139589, MedGen C1843315, MONDO:0011879, OMIM 607641.

Allele frequency attached by ClinVar (database versions not stated): gnomAD 0.00003 and 0.00005; TOPMed 0.00003; gnomAD exomes 0.00005 and 0.00009; ExAC 0.00009.

Submissions (5):

Labcorp Genetics (formerly Invitae), Labcorp
Classification: Likely benign for Amyotrophic lateral sclerosis type 1; Neuronopathy, distal hereditary motor, type 7B; Perry syndrome. Last evaluated: 2025-12-22. Review status: criteria provided, single submitter. Criteria: Invitae Variant Classification Sherloc (09022015). Collection method: clinical testing. Allele origin: germline.

Women's Health and Genetics/Laboratory Corporation of America, LabCorp
Classification: Benign. Last evaluated: 2025-02-18. Review status: criteria provided, single submitter. Criteria: LabCorp Variant Classification Summary - May 2015. Collection method: clinical testing. Allele origin: germline.

Blueprint Genetics
Classification: Likely benign. Last evaluated: 2024-11-13. Review status: criteria provided, single submitter. Criteria: ACMG Guidelines, 2015. Collection method: clinical testing. Allele origin: germline.

Illumina Laboratory Services, Illumina
Classification: Benign for Neuronopathy, distal hereditary motor, type 7B. Last evaluated: 2018-01-12. Review status: criteria provided, single submitter. Criteria: ICSL Variant Classification Criteria 13 December 2019. Collection method: clinical testing. Allele origin: germline.
Comment: This variant was observed in the ICSL laboratory as part of a predisposition screen in an ostensibly healthy population. It had not been previously curated by ICSL or reported in the Human Gene Mutation Database (HGMD: prior to June 1st, 2018), and was therefore a candidate for classification through an automated scoring system. Utilizing variant allele frequency, disease prevalence and penetrance estimates, and inheritance mode, an automated score was calculated to assess if this variant is too frequent to cause the disease. Based on the score and internal cut-off values, a variant classified as benign is not then subjected to further curation. The score for this variant resulted in a classification of benign for this disease.

Illumina Laboratory Services, Illumina
Classification: Benign for Perry syndrome. Last evaluated: 2018-01-12. Review status: criteria provided, single submitter. Criteria: ICSL Variant Classification Criteria 13 December 2019. Collection method: clinical testing. Allele origin: germline.
Comment: the same text as in the submission from Illumina Laboratory Services, Illumina above.

NM_004082.5(DCTN1):c.2761-13G>A

Gene: DCTN1 (dynactin subunit 1; minus strand). Cytogenetic location: 2p13.1.
Variant type: single nucleotide variant.
Coding change: c.2761-13G>A on transcript NM_004082.5 (MANE Select); 13 bases into the intron before coding-DNA position 2761, G replaced by A.
Molecular consequence: intron variant.
Genome position (GRCh38, 1-based): chr2:74,366,031, C>T on the plus strand (G>A on the coding strand, the complement: DCTN1 is on the minus strand). VCF-style: chr2-74366031-C-T. GRCh37 (hg19) VCF-style: chr2-74593158-C-T.
Other names: c.2650-13G>A (NM_001190836.2); c.2692-13G>A (NM_001378992.1); c.2710-13G>A (NM_001378991.1); c.2701-13G>A (NM_001135040.3); c.2740-13G>A (NM_001190837.2); c.2359-13G>A (NM_001135041.3, NM_023019.4).
Identifiers: ClinVar variation 896928 (VCV000896928.13), dbSNP rs531275207, ClinGen allele CA1721725.
Genomic context (GRCh38, chr2:74,366,031, plus strand): 5'-TGTGATCTCTGCACGAAGGGCAGCAGCCCGCAGTTCAACCGGTGGAGGCTAAGGAATGGT[C>T]GGTAGGGGGTGAGAAAGTGAGGGTGGAGAGAAGAGATCATCACTGTGCTCCTTACAGAGA-3'